The following is an entry in ClinVar:

ClinVar aggregate classification (germline): Pathogenic/Likely pathogenic. Review status: criteria provided, multiple submitters, no conflicts (2 of 4 stars). 3 submissions from 3 submitters: Pathogenic (1); Likely pathogenic (2). Last evaluated 2026-09-01.

Conditions:
Polycystic kidney disease 4 (PKD4). Also called: POLYCYSTIC KIDNEY AND HEPATIC DISEASE 1; POLYCYSTIC KIDNEY DISEASE, INFANTILE, TYPE I; PKD3; POLYCYSTIC KIDNEY DISEASE 4 WITH OR WITHOUT POLYCYSTIC LIVER DISEASE; Autosomal Recessive Polycystic Kidney Disease – PKHD1. Identifiers: MedGen C4540575, MONDO:0033004, OMIM 263200.
Autosomal recessive polycystic kidney disease (ARPKD). Also called: AR polycystic kidney disease. Identifiers: Orphanet 731, Orphanet 8378, MedGen C0085548, MeSH D017044, MONDO:0009889.

Allele frequency attached by ClinVar (database versions not stated): gnomAD exomes below 0.00001.

Submissions (3):

Myriad Genetics, Inc.
Classification: Pathogenic for Polycystic kidney disease 4. Last evaluated: 2026-09-01. Review status: criteria provided, single submitter. Criteria: Myriad Autosomal Dominant, Autosomal Recessive and X-Linked Classification Criteria (2023). Collection method: clinical testing. Allele origin: unknown.
Comment: NM_138694.3(PKHD1):c.5464delA(T1822Qfs*152) is expected to be pathogenic in the context of autosomal recessive polycystic kidney disease, PKHD1-related. This variant is predicted to lead to an abnormal or absent protein product due to the creation of a premature termination codon in PKHD1, a gene where loss-of-function variants are known to be pathogenic. Please note: this variant was assessed in the context of healthy population screening.

Natera, Inc.
Classification: Likely pathogenic for Autosomal recessive polycystic kidney disease. Last evaluated: 2025-01-21. Review status: criteria provided, single submitter. Criteria: Natera Variant Classification Schema (03/2026). Collection method: clinical testing. Allele origin: germline.
Comment: The c.5464del variant in PKHD1 is a frameshift variant predicted to shift the reading frame beginning at codon 1822 and leads to a stop codon 152 codons downstream. This variant is expected to result in nonsense mediated decay, truncation, or a dysfunctional protein product. This variant is rare in the general population with a frequency below the threshold expected for the associated phenotype(s). Given the available evidence, this variant is classified as Likely Pathogenic.

Women's Health and Genetics/Laboratory Corporation of America, LabCorp
Classification: Likely pathogenic for Autosomal recessive polycystic kidney disease. Last evaluated: 2017-12-11. Review status: criteria provided, single submitter. Criteria: LabCorp Variant Classification Summary - May 2015. Collection method: clinical testing. Allele origin: germline.
Comment: Variant summary: The PKHD1 c.5464delA (p.Thr1822GlnfsX152) variant results in a premature termination codon, predicted to cause a truncated or absent PKHD1 protein due to nonsense mediated decay, which are commonly known mechanisms for disease. Truncations downstream of this position have been classified as pathogenic by our laboratory (e.g. c.9319C>T, p.Arg3107X; c.9689delA, p.Asp3230fsX34; c.10637delT, p.Val3546fsX22). One in silico tool predicts a damaging outcome for this variant. This variant is absent in 245732 control chromosomes. The variant of interest has not, to our knowledge, been reported in affected individuals via publications and/or reputable databases/clinical diagnostic laboratories; nor evaluated for functional impact by in vivo/vitro studies. Taken together, this variant is classified as likely pathogenic.

NM_138694.4(PKHD1):c.5464del (p.Thr1822fs)

Gene: PKHD1 (PKHD1 ciliary IPT domain containing fibrocystin/polyductin; minus strand). Cytogenetic location: 6p12.2.
Variant type: Deletion.
Coding change: c.5464del on transcript NM_138694.4 (MANE Select); coding-DNA position 5464, one base deleted (A; older notation c.5464delA).
Protein change: p.Thr1822fs; shifts the reading frame from threonine 1822.
Molecular consequence: frameshift variant.
Genome position (GRCh38, 1-based): chr6:52,017,546, T deleted on the plus strand (A on the coding strand, the reverse complement: PKHD1 is on the minus strand). VCF-style (leftmost placement, unchanged base first): chr6-52017545-GT-G. GRCh37 (hg19) VCF-style: chr6-51882343-GT-G.
Other names: c.5464delA (NM_138694.3); c.5464del, p.Thr1822fs (NM_170724.3); c.5464del (NM_138694.3); short protein forms T1822fs.
Identifiers: ClinVar variation 632943 (VCV000632943.4), dbSNP rs1562140771, ClinGen allele CA913190127.